The following is an entry in ClinVar:

NM_000018.4(ACADVL):c.1348C>A (p.Arg450Ser)

Gene: ACADVL (acyl-CoA dehydrogenase very long chain; plus strand). Cytogenetic location: 17p13.1.
Variant type: single nucleotide variant.
Coding change: c.1348C>A on transcript NM_000018.4 (MANE Select); coding-DNA position 1348, C replaced by A.
Protein change: p.Arg450Ser; replaces arginine 450 with serine.
Molecular consequence: missense variant.
Genome position (GRCh38, 1-based): chr17:7,223,983, C>A. VCF-style: chr17-7223983-C-A. GRCh37 (hg19) VCF-style: chr17-7127302-C-A.
Other names: c.1282C>A, p.Arg428Ser (NM_001033859.3); c.1417C>A, p.Arg473Ser (NM_001270447.2); c.1120C>A, p.Arg374Ser (NM_001270448.2); short protein forms R374S, R450S, R473S, R428S.
Identifiers: ClinVar variation 3686695 (VCV003686695.2).

ClinVar aggregate classification (germline): Likely pathogenic (1 of 4 stars; one submission).

Conditions:
Very long chain acyl-CoA dehydrogenase deficiency (ACADVLD). Also called: Very Long-Chain Acyl-Coenzyme A Dehydrogenase Deficiency; VLCAD Deficiency. Identifiers: Orphanet 26793, MedGen C3887523, MONDO:0008723, OMIM 201475.

Submission:

Labcorp Genetics (formerly Invitae), Labcorp
Classification: Likely pathogenic for Very long chain acyl-CoA dehydrogenase deficiency. Last evaluated: 2024-03-12. Review status: criteria provided, single submitter. Criteria: Invitae Variant Classification Sherloc (09022015). Collection method: clinical testing. Allele origin: germline.
Comment: This sequence change replaces arginine, which is basic and polar, with serine, which is neutral and polar, at codon 450 of the ACADVL protein (p.Arg450Ser). This variant is not present in population databases (gnomAD no frequency). This variant has not been reported in the literature in individuals affected with ACADVL-related conditions. Advanced modeling of protein sequence and biophysical properties (such as structural, functional, and spatial information, amino acid conservation, physicochemical variation, residue mobility, and thermodynamic stability) performed at Invitae indicates that this missense variant is expected to disrupt ACADVL protein function with a positive predictive value of 95%. This variant disrupts the p.Arg450 amino acid residue in ACADVL. Other variant(s) that disrupt this residue have been determined to be pathogenic (PMID: 9546340, 11158518, 15210884, 24801231). This suggests that this residue is clinically significant, and that variants that disrupt this residue are likely to be disease-causing. In summary, the currently available evidence indicates that the variant is pathogenic, but additional data are needed to prove that conclusively. Therefore, this variant has been classified as Likely Pathogenic.

Literature cited by the submitters: PubMed 9546340; PubMed 11158518; PubMed 15210884; PubMed 24801231.